The following is an entry in ClinVar:

ClinVar aggregate classification (germline): Uncertain significance. Review status: criteria provided, multiple submitters, no conflicts (2 of 4 stars). 2 submissions from 2 submitters: Uncertain significance (2). Last evaluated 2025-10-01.

Conditions:
RP1-related disorder. Also called: RP1-related condition.

gnomAD v4.1: 8 of 1,613,972 alleles (0.0005%); highest among the groups gnomAD compares: Admixed American, 0.013%; no homozygotes.

Submissions (2):

PreventionGenetics, part of Exact Sciences
Classification: Uncertain significance for RP1-related condition. Last evaluated: 2025-10-01. Review status: criteria provided, single submitter. Criteria: ACMG Guidelines, 2015. Collection method: clinical testing. Allele origin: germline.
Comment: The RP1 c.4229T>G variant is predicted to result in the amino acid substitution p.Leu1410Arg. To our knowledge, this variant has not been reported in the literature. This variant is reported in 0.020% of alleles in individuals of Latino descent in gnomAD. At this time, the clinical significance of this variant is uncertain due to the absence of conclusive functional and genetic evidence.

Labcorp Genetics (formerly Invitae), Labcorp
Classification: Uncertain significance. Last evaluated: 2024-06-29. Review status: criteria provided, single submitter. Criteria: Invitae Variant Classification Sherloc (09022015). Collection method: clinical testing. Allele origin: germline.
Comment: This sequence change replaces leucine, which is neutral and non-polar, with arginine, which is basic and polar, at codon 1410 of the RP1 protein (p.Leu1410Arg). This variant is present in population databases (rs776511626, gnomAD 0.02%). This variant has not been reported in the literature in individuals affected with RP1-related conditions. An algorithm developed to predict the effect of missense changes on protein structure and function (PolyPhen-2) suggests that this variant is likely to be disruptive. In summary, the available evidence is currently insufficient to determine the role of this variant in disease. Therefore, it has been classified as a Variant of Uncertain Significance.

NM_006269.2(RP1):c.4229T>G (p.Leu1410Arg)

Gene: RP1 (RP1 axonemal microtubule associated; plus strand). Cytogenetic location: 8q12.1.
Variant type: single nucleotide variant.
Coding change: c.4229T>G on transcript NM_006269.2 (MANE Select); coding-DNA position 4229, T replaced by G.
Protein change: p.Leu1410Arg; replaces leucine 1410 with arginine.
Molecular consequence: missense variant. On other transcripts: intron variant (1).
Genome position (GRCh38, 1-based): chr8:54,628,111, T>G. VCF-style: chr8-54628111-T-G. GRCh37 (hg19) VCF-style: chr8-55540671-T-G.
Other names: c.787+5823T>G (NM_001375654.1); c.4229T>G (NM_006269.1); short protein forms L1410R.
Identifiers: ClinVar variation 3627315 (VCV003627315.3).